The following is an entry in ClinVar:

ClinVar aggregate classification (germline): Pathogenic (1 of 4 stars; one submission).

Conditions:
Prader-Willi syndrome (PWS). Identifiers: Orphanet 739, MedGen C0032897, MONDO:0008300, OMIM 176270. Disease mechanism: Microdeletion, loss of function. Inheritance: Microdletion.

Submission:

Centro Nacional de Genética Medica, Administración Nacional de Laboratorios e Institutos de Salud (ANLIS) “Dr. Carlos G Malbrán”
Classification: Pathogenic for Prader-Willi syndrome. Last evaluated: 2024-08-01. Review status: criteria provided, single submitter. Criteria: ACMG/ClinGen CNV Guidelines, 2019. Collection method: clinical testing. Allele origin: germline. Affected: yes.
Comment: These kinds of reports are of utmost importance to determine the critical region causing this syndrome.

GRCh37/hg19 15q11.2(chr15:22698522-25199682)x1

Genes: CYFIP1 (cytoplasmic FMR1 interacting protein 1; minus strand), GOLGA6L1 (golgin A6 family like 1; minus strand), GOLGA6L2 (golgin A6 family like 2; minus strand), MAGEL2 (MAGE family member L2; minus strand), MKRN3 (makorin ring finger protein 3; plus strand) and 8 more. Cytogenetic location: 15q11.2.
Variant type: copy number loss.
Change: copy number 1 (one copy instead of two) of chr15:22,698,522-25,199,682 (2.50 Mb, GRCh37 coordinates, 1-based), cytogenetic band 15q11.2.
Identifiers: ClinVar variation 3374711 (VCV003374711.1).